The following is an entry in ClinVar:

NM_152383.5(DIS3L2):c.2098A>G (p.Thr700Ala)

Gene: DIS3L2 (DIS3 like 3'-5' exoribonuclease 2; plus strand). Cytogenetic location: 2q37.1.
Variant type: single nucleotide variant.
Coding change: c.2098A>G on transcript NM_152383.5 (MANE Select); coding-DNA position 2098, A replaced by G.
Protein change: p.Thr700Ala; replaces threonine 700 with alanine.
Molecular consequence: missense variant. On other transcripts: non-coding transcript variant (2), intron variant (1).
Genome position (GRCh38, 1-based): chr2:232,333,927, A>G. VCF-style: chr2-232333927-A-G. GRCh37 (hg19) VCF-style: chr2-233198637-A-G.
Other names: c.1582-9418A>G (NM_001257281.2); short protein forms T700A.
Identifiers: ClinVar variation 2045120 (VCV002045120.4), dbSNP rs1575027306, ClinGen allele CA350977475.

ClinVar aggregate classification (germline): Uncertain significance (1 of 4 stars; one submission).

Conditions:
Perlman syndrome (PRLMNS). Identifiers: Orphanet 2849, MedGen C0796113, MONDO:0009965, OMIM 267000.

Allele frequency attached by ClinVar (database versions not stated): gnomAD exomes below 0.00001.
gnomAD v4.1: 1 of 1,612,032 alleles (0.000062%); highest among the groups gnomAD compares: Non-Finnish European, 0.000085%; no homozygotes.

Submission:

Labcorp Genetics (formerly Invitae), Labcorp
Classification: Uncertain significance for Perlman syndrome. Last evaluated: 2022-11-11. Review status: criteria provided, single submitter. Criteria: Invitae Variant Classification Sherloc (09022015). Collection method: clinical testing. Allele origin: germline.
Comment: This sequence change replaces threonine, which is neutral and polar, with alanine, which is neutral and non-polar, at codon 700 of the DIS3L2 protein (p.Thr700Ala). This variant is not present in population databases (gnomAD no frequency). This variant has not been reported in the literature in individuals affected with DIS3L2-related conditions. Algorithms developed to predict the effect of missense changes on protein structure and function (SIFT, PolyPhen-2, Align-GVGD) all suggest that this variant is likely to be disruptive. In summary, the available evidence is currently insufficient to determine the role of this variant in disease. Therefore, it has been classified as a Variant of Uncertain Significance.